The following is an entry in ClinVar:

NM_024675.4(PALB2):c.444_445del (p.Lys149fs)

Gene: PALB2 (partner and localizer of BRCA2; minus strand). Cytogenetic location: 16p12.2.
Variant type: Deletion.
Coding change: c.444_445del on transcript NM_024675.4 (MANE Select); coding-DNA positions 444 to 445, 2 bases deleted (GA; older notation c.444_445delGA).
Protein change: p.Lys149fs; shifts the reading frame from lysine 149.
Molecular consequence: frameshift variant.
Genome position (GRCh38, 1-based): chr16:23,636,101-23,636,102, TC deleted on the plus strand (GA on the coding strand, the reverse complement: PALB2 is on the minus strand); deleting any 2 consecutive bases within chr16:23,636,101-23,636,103 gives the same sequence; the c. name uses the placement nearest the transcript's 3' end. VCF-style (leftmost placement, unchanged base first): chr16-23636100-TTC-T. GRCh37 (hg19) VCF-style: chr16-23647421-TTC-T.
Other names: short protein forms K149fs.
Identifiers: ClinVar variation 1425519 (VCV001425519.7), dbSNP rs757860709, ClinGen allele CA279500029.
Genomic context (GRCh38, chr16:23,636,100, plus strand): 5'-AGTGAATCAGTGCCAAAGACACAGTCTCTCTCCTGTGAAATAAATGTCCTCTTCTGCTGC[TTC>T]TTTCTTCTGCTTGGCAGCTTCTGCTTTTGCTCACCACTAGGGTCACTGACCCTGTGGGGA-3'

ClinVar aggregate classification (germline): Pathogenic. Review status: criteria provided, multiple submitters, no conflicts (2 of 4 stars). 2 submissions from 2 submitters: Pathogenic (2). Last evaluated 2023-09-06.

Conditions:
Familial cancer of breast. Also called: Hereditary breast cancer; BREAST CANCER, FAMILIAL; hereditary breast carcinoma. Identifiers: Orphanet 227535, MedGen C0346153, MONDO:0016419, OMIM 114480. Disease mechanism: loss of function.

Submissions (2):

Myriad Genetics, Inc.
Classification: Pathogenic for Familial cancer of breast. Last evaluated: 2023-09-06. Review status: criteria provided, single submitter. Criteria: Myriad Autosomal Dominant, Autosomal Recessive and X-Linked Classification Criteria (2023). Collection method: clinical testing. Allele origin: unknown.
Comment: This variant is considered pathogenic. This variant creates a frameshift predicted to result in premature protein truncation.

Labcorp Genetics (formerly Invitae), Labcorp
Classification: Pathogenic for Familial cancer of breast. Last evaluated: 2022-08-23. Review status: criteria provided, single submitter. Criteria: Invitae Variant Classification Sherloc (09022015). Collection method: clinical testing. Allele origin: germline.
Comment: For these reasons, this variant has been classified as Pathogenic. ClinVar contains an entry for this variant (Variation ID: 1425519). This variant has not been reported in the literature in individuals affected with PALB2-related conditions. This variant is not present in population databases (gnomAD no frequency). This sequence change creates a premature translational stop signal (p.Lys149Alafs*18) in the PALB2 gene. It is expected to result in an absent or disrupted protein product. Loss-of-function variants in PALB2 are known to be pathogenic (PMID: 17200668, 17200671, 17200672, 24136930, 25099575).

Literature cited by the submitters: PubMed 17200668 (cited by Labcorp Genetics (formerly Invitae), Labcorp); PubMed 17200671 (cited by Labcorp Genetics (formerly Invitae), Labcorp); PubMed 17200672 (cited by Labcorp Genetics (formerly Invitae), Labcorp); PubMed 24136930 (cited by Labcorp Genetics (formerly Invitae), Labcorp); PubMed 25099575 (cited by Labcorp Genetics (formerly Invitae), Labcorp).